The following is an entry in ClinVar:

NM_000342.4(SLC4A1):c.1806_1847del (p.Arg603_Ile616del)

Gene: SLC4A1 (solute carrier family 4 member 1 (Diego blood group); minus strand). Cytogenetic location: 17q21.31.
Variant type: Deletion.
Coding change: c.1806_1847del on transcript NM_000342.4 (MANE Select); coding-DNA positions 1806 to 1847, 42 bases deleted.
Protein change: p.Arg603_Ile616del.
Genome position (GRCh38, 1-based): chr17:44,255,250-44,255,291, 42 bases deleted. GRCh37 (hg19): chr17:42,332,618-42,332,659.
Identifiers: ClinVar variation 4533255 (VCV004533255.1).

ClinVar aggregate classification (germline): Pathogenic (1 of 4 stars; one submission).

Conditions:
Inherited distal renal tubular acidosis. Also called: Hereditary Distal Renal Tubular Acidosis. Identifiers: MedGen CN380239, MONDO:1060161.

Submission:

Clinical Genetics and Genomics Laboratory, Noor Shahriyar Hospital
Classification: Pathogenic for Inherited distal renal tubular acidosis. Last evaluated: 2015-05-05. Review status: criteria provided, single submitter. Criteria: ACMG Guidelines, 2015. Collection method: clinical testing. Allele origin: de novo. Affected: yes.
Comment: The NM_000342.4(kAE1):c.1806_1847del, is a nonsense variant in SLC4A1 which is predicted to result in dRTA1 due to a premature stop codon at position 622, and likely results in an absent or disrupted protein product (2015 ACMG guidelines).

Literature cited by the submitters: PubMed 25957428.